The following is an entry in ClinVar:

ClinVar aggregate classification (germline): Uncertain significance. Review status: criteria provided, multiple submitters, no conflicts (2 of 4 stars). 4 submissions from 4 submitters: Uncertain significance (2). 2 of the submissions do not count toward it. Last evaluated 2022-07-06.

Conditions:
Optic atrophy. Identifiers: MedGen C0029124, MONDO:0003608, HP:0000648.
Bardet-Biedl syndrome (BBS). Identifiers: Orphanet 110, MedGen C0752166, MONDO:0015229.
Bardet-Biedl syndrome 7 (BBS7). Identifiers: Orphanet 110, MedGen C1859565, MONDO:0014435, OMIM 615984.
BBS7-related disorder. Also called: BBS7-related condition.

Allele frequency attached by ClinVar (database versions not stated): TOPMed 0.00002; ExAC 0.00003.
gnomAD v4.1: 26 of 1,614,064 alleles (0.0016%); highest among the groups gnomAD compares: Non-Finnish European, 0.0021%; no homozygotes.

Submissions (4):

Labcorp Genetics (formerly Invitae), Labcorp
Classification: Uncertain significance for Bardet-Biedl syndrome. Last evaluated: 2022-07-06. Review status: criteria provided, single submitter. Criteria: Invitae Variant Classification Sherloc (09022015). Collection method: clinical testing. Allele origin: germline.
Comment: This sequence change replaces methionine, which is neutral and non-polar, with leucine, which is neutral and non-polar, at codon 8 of the BBS7 protein (p.Met8Leu). This variant is present in population databases (rs757370927, gnomAD 0.006%). This variant has not been reported in the literature in individuals affected with BBS7-related conditions. ClinVar contains an entry for this variant (Variation ID: 1052675). Algorithms developed to predict the effect of missense changes on protein structure and function (SIFT, PolyPhen-2, Align-GVGD) all suggest that this variant is likely to be tolerated. In summary, the available evidence is currently insufficient to determine the role of this variant in disease. Therefore, it has been classified as a Variant of Uncertain Significance.

Fulgent Genetics
Classification: Uncertain significance for Bardet-Biedl syndrome 7. Last evaluated: 2021-08-27. Review status: criteria provided, single submitter. Criteria: ACMG Guidelines, 2015. Collection method: clinical testing. Allele origin: unknown.

PreventionGenetics, part of Exact Sciences
Classification: Uncertain significance for BBS7-related condition. Last evaluated: 2024-07-24. Review status: no assertion criteria provided. Collection method: clinical testing. Allele origin: germline. Not counted in ClinVar's aggregate classification.
Comment: The BBS7 c.22A>T variant is predicted to result in the amino acid substitution p.Met8Leu. To our knowledge, this variant has not been reported in the literature. This variant is reported in 0.0054% of alleles in individuals of European (Non-Finnish) descent in gnomAD. At this time, the clinical significance of this variant is uncertain due to the absence of conclusive functional and genetic evidence.

Institute of Human Genetics, Univ. Regensburg, Univ. Regensburg
Classification: Uncertain significance for Optic atrophy. Last evaluated: 2022-01-01. Review status: no assertion criteria provided. Criteria: ACMG Guidelines, 2015. Collection method: clinical testing. Allele origin: germline. Affected: yes. Not counted in ClinVar's aggregate classification.

NM_176824.3(BBS7):c.22A>T (p.Met8Leu)

Genes: BBS7 (Bardet-Biedl syndrome 7; minus strand), LOC129993036 (ATAC-STARR-seq lymphoblastoid active region 21872; plus strand). Cytogenetic location: 4q27.
Variant type: single nucleotide variant.
Coding change: c.22A>T on transcript NM_176824.3 (MANE Select); coding-DNA position 22, A replaced by T.
Protein change: p.Met8Leu; replaces methionine 8 with leucine.
Molecular consequence: missense variant.
Genome position (GRCh38, 1-based): chr4:121,870,292, T>A on the plus strand (A>T on the coding strand, the complement: BBS7 is on the minus strand). VCF-style: chr4-121870292-T-A. GRCh37 (hg19) VCF-style: chr4-122791447-T-A.
Other names: c.22A>T (NM_176824.2); c.22A>T, p.Met8Leu (NM_018190.4); short protein forms M8L.
Identifiers: ClinVar variation 1052675 (VCV001052675.5), dbSNP rs757370927, ClinGen allele CA3064638.